The following is an entry in ClinVar:

NM_000053.4(ATP7B):c.341A>G (p.His114Arg)

Gene: ATP7B (ATPase copper transporting beta; minus strand). Cytogenetic location: 13q14.3.
Variant type: single nucleotide variant.
Coding change: c.341A>G on transcript NM_000053.4 (MANE Select); coding-DNA position 341, A replaced by G.
Protein change: p.His114Arg; replaces histidine 114 with arginine.
Molecular consequence: missense variant.
Genome position (GRCh38, 1-based): chr13:51,974,879, T>C on the plus strand (A>G on the coding strand, the complement: ATP7B is on the minus strand). VCF-style: chr13-51974879-T-C. GRCh37 (hg19) VCF-style: chr13-52549015-T-C.
Other names: c.341A>G, p.His114Arg (NM_001005918.3, NM_001243182.2, NM_001330578.2 and 30 more transcripts); c.245A>G, p.His82Arg (NM_001406517.1, NM_001406518.1, NM_001406530.1 and 4 more transcripts); short protein forms H114R, H82R.
Identifiers: ClinVar variation 4685298 (VCV004685298.1).

ClinVar aggregate classification (germline): Uncertain significance (1 of 4 stars; one submission).

gnomAD v4.1: 3 of 1,614,132 alleles (0.00019%); highest among the groups gnomAD compares: Middle Eastern, 0.016%; no homozygotes.

Submission:

GeneDx
Classification: Uncertain significance. Last evaluated: 2025-07-08. Review status: criteria provided, single submitter. Criteria: GeneDx Variant Classification Process June 2021. Collection method: clinical testing. Allele origin: germline. Affected: yes.
Comment: Not observed at significant frequency in large population cohorts (gnomAD); In silico analysis suggests that this missense variant does not alter protein structure/function; Has not been previously published as pathogenic or benign to our knowledge